The following is an entry in ClinVar:

ClinVar aggregate classification (germline): Uncertain significance (1 of 4 stars; one submission).

Conditions:
Ellis-van Creveld syndrome (EVC). Also called: Chondroectodermal dysplasia; MESOECTODERMAL DYSPLASIA; EVC-Related Ellis-van Creveld Syndrome; EVC2-Related Ellis-van Creveld Syndrome. Identifiers: Orphanet 289, MedGen C0013903, MONDO:0009162, OMIM 225500.
Curry-Hall syndrome (WAD). Also called: WEYERS ACRODENTAL DYSOSTOSIS. Identifiers: Orphanet 952, MedGen C0457013, MONDO:0008673, OMIM 193530.

Allele frequency attached by ClinVar (database versions not stated): TOPMed 0.00002; ExAC 0.00003; gnomAD 0.00003.
gnomAD v4.1: 75 of 1,613,524 alleles (0.0046%); highest among the groups gnomAD compares: Non-Finnish European, 0.0055%; no homozygotes.

Submission:

Labcorp Genetics (formerly Invitae), Labcorp
Classification: Uncertain significance for Curry-Hall syndrome; Ellis-van Creveld syndrome. Last evaluated: 2023-08-17. Review status: criteria provided, single submitter. Criteria: Invitae Variant Classification Sherloc (09022015). Collection method: clinical testing. Allele origin: germline.
Comment: In summary, the available evidence is currently insufficient to determine the role of this variant in disease. Therefore, it has been classified as a Variant of Uncertain Significance. Advanced modeling of protein sequence and biophysical properties (such as structural, functional, and spatial information, amino acid conservation, physicochemical variation, residue mobility, and thermodynamic stability) performed at Invitae indicates that this missense variant is expected to disrupt EVC protein function. ClinVar contains an entry for this variant (Variation ID: 2057647). This variant has not been reported in the literature in individuals affected with EVC-related conditions. This variant is present in population databases (rs767144263, gnomAD 0.007%). This sequence change replaces alanine, which is neutral and non-polar, with valine, which is neutral and non-polar, at codon 774 of the EVC protein (p.Ala774Val).

NM_153717.3(EVC):c.2321C>T (p.Ala774Val)

Gene: EVC (EvC ciliary complex subunit 1; plus strand). Cytogenetic location: 4p16.2.
Variant type: single nucleotide variant.
Coding change: c.2321C>T on transcript NM_153717.3 (MANE Select); coding-DNA position 2321, C replaced by T.
Protein change: p.Ala774Val; replaces alanine 774 with valine.
Molecular consequence: missense variant.
Genome position (GRCh38, 1-based): chr4:5,801,966, C>T. VCF-style: chr4-5801966-C-T. GRCh37 (hg19) VCF-style: chr4-5803693-C-T.
Other names: c.2321C>T, p.Ala774Val (NM_001306090.2); short protein forms A774V.
Identifiers: ClinVar variation 2057647 (VCV002057647.3), dbSNP rs767144263, ClinGen allele CA2836460.